The following is an entry in ClinVar:

ClinVar aggregate classification (germline): Uncertain significance (1 of 4 stars; one submission).

Submission:

GeneDx
Classification: Uncertain significance. Last evaluated: 2022-04-11. Review status: criteria provided, single submitter. Criteria: GeneDx Variant Classification Process June 2021. Collection method: clinical testing. Allele origin: germline. Affected: yes.
Comment: Not observed at significant frequency in large population cohorts (gnomAD); Has not been previously published as pathogenic or benign to our knowledge; In silico analysis, which includes splice predictors and evolutionary conservation, suggests this variant may impact gene splicing. In the absence of RNA/functional studies, the actual effect of this sequence change is unknown.

NM_007126.5(VCP):c.1359G>A (p.Arg453=)

Gene: VCP (valosin containing protein; minus strand). Cytogenetic location: 9p13.3.
Variant type: single nucleotide variant.
Coding change: c.1359G>A on transcript NM_007126.5 (MANE Select); coding-DNA position 1359, G replaced by A.
Protein change: p.Arg453=; no amino-acid change (arginine 453 retained).
Molecular consequence: synonymous variant.
Genome position (GRCh38, 1-based): chr9:35,061,015, C>T on the plus strand (G>A on the coding strand, the complement: VCP is on the minus strand). VCF-style: chr9-35061015-C-T. GRCh37 (hg19) VCF-style: chr9-35061012-C-T.
Other names: c.1224G>A, p.Arg408= (NM_001354927.2, NM_001354928.2).
Identifiers: ClinVar variation 1710642 (VCV001710642.2), dbSNP rs2490353756, ClinGen allele CA464601998.